The following is an entry in ClinVar:

NM_025132.4(WDR19):c.2142+12G>A

Gene: WDR19 (WD repeat domain 19; plus strand). Cytogenetic location: 4p14.
Variant type: single nucleotide variant.
Coding change: c.2142+12G>A on transcript NM_025132.4 (MANE Select); 12 bases into the intron after coding-DNA position 2142, G replaced by A.
Molecular consequence: intron variant.
Genome position (GRCh38, 1-based): chr4:39,231,968, G>A. VCF-style: chr4-39231968-G-A. GRCh37 (hg19) VCF-style: chr4-39233588-G-A.
Other names: c.1662+12G>A (NM_001317924.2).
Identifiers: ClinVar variation 348740 (VCV000348740.20), dbSNP rs149621476, ClinGen allele CA2892008.
Genomic context (GRCh38, chr4:39,231,968, plus strand): 5'-TCGGAGAATTGGAAATGTTGGCATAGTGATGTCCTTGGAACAAATAAAGGTAAACAGCAT[G>A]TTATAGAATTATCAAGTTAAAATTTAAATGCTATTTTAAGTTAAATGCAGTCTAAATTTT-3'

ClinVar aggregate classification (germline): Benign/Likely benign. Review status: criteria provided, multiple submitters, no conflicts (2 of 4 stars). 12 submissions from 8 submitters: Benign (6); Likely benign (4). 2 of the submissions do not count toward it. Last evaluated 2026-01-04.

Conditions:
Asphyxiating thoracic dystrophy 5 (SRTD5). Also called: SHORT-RIB THORACIC DYSPLASIA 5 WITH OR WITHOUT POLYDACTYLY; SHORT-RIB THORACIC DYSPLASIA 5 WITHOUT POLYDACTYLY. Identifiers: Orphanet 474, MedGen C3280598, MONDO:0013717, OMIM 614376.
Nephronophthisis 13 (NPHP13). Identifiers: Orphanet 655, MedGen C3280612, MONDO:0013718, OMIM 614377.
Cranioectodermal dysplasia 4 (CED4). Identifiers: Orphanet 1515, MedGen C3280616, MONDO:0013719, OMIM 614378.
Senior-Loken syndrome 8 (SLSN8). Identifiers: Orphanet 3156, MedGen C4225376, MONDO:0014579, OMIM 616307.
Spermatogenic failure 72 (SPGF72). Identifiers: MedGen C5676980, MONDO:0030809, OMIM 619867.

Allele frequency attached by ClinVar (database versions not stated): gnomAD exomes 0.00029 and 0.00077; ExAC 0.00090; gnomAD 0.00235 and 0.00246; ESP Exome Variant Server 0.00245; TOPMed 0.00283; 1000 Genomes Project 30x 0.00422; 1000 Genomes Project 0.00459.
gnomAD v4.1: 812 of 1,602,410 alleles (0.051%); highest among the groups gnomAD compares: African/African-American, 0.83%; 5 homozygotes.

Submissions (12):

Labcorp Genetics (formerly Invitae), Labcorp
Classification: Benign for Senior-Loken syndrome 8; Asphyxiating thoracic dystrophy 5. Last evaluated: 2026-01-04. Review status: criteria provided, single submitter. Criteria: Invitae Variant Classification Sherloc (09022015). Collection method: clinical testing. Allele origin: germline.

Blueprint Genetics
Classification: Likely benign. Last evaluated: 2024-11-12. Review status: criteria provided, single submitter. Criteria: ACMG Guidelines, 2015. Collection method: clinical testing. Allele origin: germline.

ARUP Laboratories, Molecular Genetics and Genomics, ARUP Laboratories
Classification: Benign. Last evaluated: 2022-04-08. Review status: criteria provided, single submitter. Criteria: ARUP Molecular Germline Variant Investigation Process 2021. Collection method: clinical testing. Allele origin: germline.

Genome-Nilou Lab
Classification: Benign for Cranioectodermal dysplasia 4. Last evaluated: 2021-12-05. Review status: criteria provided, single submitter. Criteria: ACMG Guidelines, 2015. Collection method: clinical testing. Allele origin: germline. Affected: no.

Genome-Nilou Lab
Classification: Benign for Nephronophthisis 13. Last evaluated: 2021-12-05. Review status: criteria provided, single submitter. Criteria: ACMG Guidelines, 2015. Collection method: clinical testing. Allele origin: germline. Affected: no.

Genome-Nilou Lab
Classification: Benign for Senior-Loken syndrome 8. Last evaluated: 2021-12-05. Review status: criteria provided, single submitter. Criteria: ACMG Guidelines, 2015. Collection method: clinical testing. Allele origin: germline. Affected: no.

Genome-Nilou Lab
Classification: Benign for Asphyxiating thoracic dystrophy 5. Last evaluated: 2021-12-05. Review status: criteria provided, single submitter. Criteria: ACMG Guidelines, 2015. Collection method: clinical testing. Allele origin: germline. Affected: no.

Fulgent Genetics
Classification: Likely benign for Asphyxiating thoracic dystrophy 5; Nephronophthisis 13; Cranioectodermal dysplasia 4; Senior-Loken syndrome 8; Spermatogenic failure 72. Last evaluated: 2021-11-17. Review status: criteria provided, single submitter. Criteria: ACMG Guidelines, 2015. Collection method: clinical testing. Allele origin: unknown.

Illumina Laboratory Services, Illumina
Classification: Likely benign for Asphyxiating thoracic dystrophy 5. Last evaluated: 2018-01-12. Review status: criteria provided, single submitter. Criteria: ICSL Variant Classification Criteria 13 December 2019. Collection method: clinical testing. Allele origin: germline.
Comment: This variant was observed in the ICSL laboratory as part of a predisposition screen in an ostensibly healthy population. It had not been previously curated by ICSL or reported in the Human Gene Mutation Database (HGMD: prior to June 1st, 2018), and was therefore a candidate for classification through an automated scoring system. Utilizing variant allele frequency, disease prevalence and penetrance estimates, and inheritance mode, an automated score was calculated to assess if this variant is too frequent to cause the disease. Based on the score and internal cut-off values, a variant classified as likely benign is not then subjected to further curation. The score for this variant resulted in a classification of likely benign for this disease.

Illumina Laboratory Services, Illumina
Classification: Likely benign for Cranioectodermal dysplasia 4. Last evaluated: 2018-01-12. Review status: criteria provided, single submitter. Criteria: ICSL Variant Classification Criteria 13 December 2019. Collection method: clinical testing. Allele origin: germline.
Comment: the same text as in the submission from Illumina Laboratory Services, Illumina above.

Clinical Genetics, Academic Medical Center
Classification: Benign. Review status: no assertion criteria provided. Collection method: clinical testing. Allele origin: germline. Affected: yes. Study: VKGL Data-share Consensus. Not counted in ClinVar's aggregate classification.

Genome Diagnostics Laboratory, University Medical Center Utrecht
Classification: Benign. Review status: no assertion criteria provided. Collection method: clinical testing. Allele origin: germline. Affected: yes. Study: VKGL Data-share Consensus. Not counted in ClinVar's aggregate classification.